The following is an entry in ClinVar:

NM_000061.3(BTK):c.302C>T (p.Pro101Leu)

Gene: BTK (Bruton tyrosine kinase; minus strand). Cytogenetic location: Xq22.1.
Variant type: single nucleotide variant.
Coding change: c.302C>T on transcript NM_000061.3 (MANE Select); coding-DNA position 302, C replaced by T.
Protein change: p.Pro101Leu; replaces proline 101 with leucine.
Molecular consequence: missense variant.
Genome position (GRCh38, 1-based): chrX:101,371,640, G>A on the plus strand (C>T on the coding strand, the complement: BTK is on the minus strand). VCF-style: chrX-101371640-G-A. GRCh37 (hg19) VCF-style: chrX-100626628-G-A.
Other names: c.404C>T, p.Pro135Leu (NM_001287344.2); c.302C>T, p.Pro101Leu (NM_001287345.2); short protein forms P135L, P101L.
Identifiers: ClinVar variation 2119703 (VCV002119703.4), dbSNP rs2520667901, ClinGen allele CA413938041.

ClinVar aggregate classification (germline): Uncertain significance (1 of 4 stars; one submission).

Conditions:
X-linked agammaglobulinemia with growth hormone deficiency (IGHD3). Also called: FLEISHER SYNDROME; ISOLATED GROWTH HORMONE DEFICIENCY, TYPE III, WITH AGAMMAGLOBULINEMIA; HYPOGAMMAGLOBULINEMIA AND ISOLATED GROWTH HORMONE DEFICIENCY, X-LINKED; IGHD III; Isolated growth hormone deficiency type 3; Growth hormone deficiency with hypogammaglobulinemia. Identifiers: Orphanet 231692, Orphanet 631, MedGen C0472813, MONDO:0010615, OMIM 307200.

Submission:

Labcorp Genetics (formerly Invitae), Labcorp
Classification: Uncertain significance for X-linked agammaglobulinemia with growth hormone deficiency. Last evaluated: 2022-03-30. Review status: criteria provided, single submitter. Criteria: Invitae Variant Classification Sherloc (09022015). Collection method: clinical testing. Allele origin: germline.
Comment: In summary, the available evidence is currently insufficient to determine the role of this variant in disease. Therefore, it has been classified as a Variant of Uncertain Significance. Algorithms developed to predict the effect of missense changes on protein structure and function (SIFT, PolyPhen-2, Align-GVGD) all suggest that this variant is likely to be disruptive. This variant has not been reported in the literature in individuals affected with BTK-related conditions. This variant is not present in population databases (gnomAD no frequency). This sequence change replaces proline, which is neutral and non-polar, with leucine, which is neutral and non-polar, at codon 101 of the BTK protein (p.Pro101Leu).